The following is an entry in ClinVar:

NM_033380.3(COL4A5):c.2927del (p.Gly976fs)

Gene: COL4A5 (collagen type IV alpha 5 chain; plus strand). Cytogenetic location: Xq22.3.
Variant type: Deletion.
Coding change: c.2927del on transcript NM_033380.3 (MANE Select); coding-DNA position 2927, one base deleted (G; older notation c.2927delG).
Protein change: p.Gly976fs; shifts the reading frame from glycine 976.
Molecular consequence: frameshift variant.
Genome position (GRCh38, 1-based): chrX:108,624,245, G deleted; the last of 2 consecutive G bases (chrX:108,624,244-108,624,245); deleting either gives the same sequence. VCF-style (leftmost placement, unchanged base first): chrX-108624243-TG-T. GRCh37 (hg19) VCF-style: chrX-107867473-TG-T.
Other names: c.2927del, p.Gly976fs (NM_000495.5); short protein forms G976fs.
Identifiers: ClinVar variation 1451492 (VCV001451492.6), dbSNP rs2147869121, ClinGen allele CA2544389261.
Genomic context (GRCh38, chrX:108,624,243, plus strand): 5'-TTCATGGATGAATAATATCATCCTAACTTGCCTCTTCTACTCATTCTTGGAAGGTATACC[TG>T]GAGTTTCAGGGCCAAAAGGTTATCAGGGTTTGCCTGGAGACCCAGGGCAACCTGGACTGA-3'

ClinVar aggregate classification (germline): Pathogenic (1 of 4 stars; one submission).

Submission:

Labcorp Genetics (formerly Invitae), Labcorp
Classification: Pathogenic. Last evaluated: 2025-04-17. Review status: criteria provided, single submitter. Criteria: Invitae Variant Classification Sherloc (09022015). Collection method: clinical testing. Allele origin: germline.
Comment: This sequence change creates a premature translational stop signal (p.Gly976Glufs*20) in the COL4A5 gene. It is expected to result in an absent or disrupted protein product. Loss-of-function variants in COL4A5 are known to be pathogenic (PMID: 9195222, 10752524, 14514738, 24854265, 26809805). This variant is not present in population databases (gnomAD no frequency). This variant has not been reported in the literature in individuals affected with COL4A5-related conditions. ClinVar contains an entry for this variant (Variation ID: 1451492). For these reasons, this variant has been classified as Pathogenic.

Literature cited by the submitters: PubMed 9195222; PubMed 10752524; PubMed 14514738; PubMed 24854265; PubMed 26809805.